The following is an entry in ClinVar:

ClinVar aggregate classification (germline): Uncertain significance (1 of 4 stars; one submission).

Conditions:
Intellectual disability, CASK-related, X-linked. Identifiers: MedGen CN043158.

Submission:

Labcorp Genetics (formerly Invitae), Labcorp
Classification: Uncertain significance for Intellectual disability, CASK-related, X-linked. Last evaluated: 2022-02-10. Review status: criteria provided, single submitter. Criteria: Invitae Variant Classification Sherloc (09022015). Collection method: clinical testing. Allele origin: germline.
Comment: In summary, the available evidence is currently insufficient to determine the role of this variant in disease. Therefore, it has been classified as a Variant of Uncertain Significance. Algorithms developed to predict the effect of missense changes on protein structure and function are either unavailable or do not agree on the potential impact of this missense change (SIFT: "Deleterious"; PolyPhen-2: "Benign"; Align-GVGD: "Class C55"). This variant has not been reported in the literature in individuals affected with CASK-related conditions. This variant is not present in population databases (gnomAD no frequency). This sequence change replaces threonine, which is neutral and polar, with alanine, which is neutral and non-polar, at codon 361 of the CASK protein (p.Thr361Ala).

NM_001367721.1(CASK):c.1081A>G (p.Thr361Ala)

Gene: CASK (calcium/calmodulin dependent serine protein kinase; minus strand). Cytogenetic location: Xp11.4.
Variant type: single nucleotide variant.
Coding change: c.1081A>G on transcript NM_001367721.1 (MANE Select); coding-DNA position 1081, A replaced by G.
Protein change: p.Thr361Ala; replaces threonine 361 with alanine.
Molecular consequence: missense variant.
Genome position (GRCh38, 1-based): chrX:41,609,978, T>C on the plus strand (A>G on the coding strand, the complement: CASK is on the minus strand). VCF-style: chrX-41609978-T-C. GRCh37 (hg19) VCF-style: chrX-41469231-T-C.
Other names: c.1081A>G, p.Thr361Ala (NM_001126054.3, NM_003688.4); c.1063A>G, p.Thr355Ala (NM_001126055.3, NM_001410745.1); short protein forms T361A, T355A.
Identifiers: ClinVar variation 2096108 (VCV002096108.4), dbSNP rs2518967648, ClinGen allele CA412999699.